The following is an entry in ClinVar:

ClinVar aggregate classification (germline): Uncertain significance. Review status: criteria provided, multiple submitters, no conflicts (2 of 4 stars). 2 submissions from 2 submitters: Uncertain significance (2). Last evaluated 2025-08-29.

Conditions:
Long QT syndrome (LQTS). Identifiers: MedGen C0023976, MeSH D008133, MONDO:0002442. Disease mechanism: loss of function. Inheritance: Various modes of inheritance.
Cardiovascular phenotype. Identifiers: MedGen CN230736.

Allele frequency attached by ClinVar (database versions not stated): gnomAD exomes below 0.00001.
gnomAD v4.1: 4 of 1,575,460 alleles (0.00025%); highest among the groups gnomAD compares: Non-Finnish European, 0.00034%; no homozygotes.

Submissions (2):

Labcorp Genetics (formerly Invitae), Labcorp
Classification: Uncertain significance for Long QT syndrome. Last evaluated: 2025-08-29. Review status: criteria provided, single submitter. Criteria: Invitae Variant Classification Sherloc (09022015). Collection method: clinical testing. Allele origin: germline.
Comment: This sequence change replaces phenylalanine, which is neutral and non-polar, with leucine, which is neutral and non-polar, at codon 653 of the KCNQ1 protein (p.Phe653Leu). The frequency data for this variant in the population databases is considered unreliable, as metrics indicate poor data quality at this position in the gnomAD database. This variant has not been reported in the literature in individuals affected with KCNQ1-related conditions. ClinVar contains an entry for this variant (Variation ID: 3230636). Invitae Evidence Modeling of protein sequence and biophysical properties (such as structural, functional, and spatial information, amino acid conservation, physicochemical variation, residue mobility, and thermodynamic stability) indicates that this missense variant is not expected to disrupt KCNQ1 protein function with a negative predictive value of 95%. In summary, the available evidence is currently insufficient to determine the role of this variant in disease. Therefore, it has been classified as a Variant of Uncertain Significance.

Ambry Genetics
Classification: Uncertain significance for Cardiovascular phenotype. Last evaluated: 2023-12-12. Review status: criteria provided, single submitter. Criteria: Ambry Variant Classification Scheme 2023. Collection method: clinical testing. Allele origin: germline.
Comment: The p.F653L variant (also known as c.1959C>A), located in coding exon 16 of the KCNQ1 gene, results from a C to A substitution at nucleotide position 1959. The phenylalanine at codon 653 is replaced by leucine, an amino acid with highly similar properties. This amino acid position is well conserved in available vertebrate species. In addition, the in silico prediction for this alteration is inconclusive. Since supporting evidence is limited at this time, the clinical significance of this alteration remains unclear.

NM_000218.3(KCNQ1):c.1959C>A (p.Phe653Leu)

Genes: KCNQ1 (potassium voltage-gated channel subfamily Q member 1; plus strand), KCNQ1-AS1 (KCNQ1 antisense RNA 1; minus strand). Cytogenetic location: 11p15.4.
Variant type: single nucleotide variant.
Coding change: c.1959C>A on transcript NM_000218.3 (MANE Select); coding-DNA position 1959, C replaced by A.
Protein change: p.Phe653Leu; replaces phenylalanine 653 with leucine.
Molecular consequence: missense variant.
Genome position (GRCh38, 1-based): chr11:2,847,931, C>A. VCF-style: chr11-2847931-C-A. GRCh37 (hg19) VCF-style: chr11-2869161-C-A.
Other names: c.1863C>A, p.Phe621Leu (NM_001406836.1); c.1689C>A, p.Phe563Leu (NM_001406837.1); c.1419C>A, p.Phe473Leu (NM_001406838.1); c.471C>A, p.Phe157Leu (NM_001406839.1); c.1578C>A, p.Phe526Leu (NM_181798.2); short protein forms F157L, F473L, F526L, F563L, F621L, F653L.
Identifiers: ClinVar variation 3230636 (VCV003230636.2), dbSNP rs1193004834, ClinGen allele CA379140512.